The following is an entry in ClinVar:

ClinVar aggregate classification (germline): Uncertain significance (1 of 4 stars; one submission).

Allele frequency attached by ClinVar (database versions not stated): TOPMed below 0.00001.
gnomAD v4.1: 1 of 1,590,004 alleles (0.000063%); highest among the groups gnomAD compares: Non-Finnish European, 0.000086%; no homozygotes.

Submission:

GeneDx
Classification: Uncertain significance. Last evaluated: 2022-09-13. Review status: criteria provided, single submitter. Criteria: GeneDx Variant Classification Process June 2021. Collection method: clinical testing. Allele origin: germline. Affected: yes.
Comment: Not observed at significant frequency in large population cohorts (gnomAD); In silico analysis supports that this missense variant has a deleterious effect on protein structure/function; In-silico analysis is inconclusive as to whether the variant alters gene splicing. In the absence of RNA/functional studies, the actual effect of this sequence change is unknown.; Has not been previously published as pathogenic or benign to our knowledge

NM_006828.4(ASCC3):c.3023A>T (p.Glu1008Val)

Gene: ASCC3 (activating signal cointegrator 1 complex subunit 3; minus strand). Cytogenetic location: 6q16.3.
Variant type: single nucleotide variant.
Coding change: c.3023A>T on transcript NM_006828.4 (MANE Select); coding-DNA position 3023, A replaced by T.
Protein change: p.Glu1008Val; replaces glutamic acid 1008 with valine.
Molecular consequence: missense variant.
Genome position (GRCh38, 1-based): chr6:100,651,612, T>A on the plus strand (A>T on the coding strand, the complement: ASCC3 is on the minus strand). VCF-style: chr6-100651612-T-A. GRCh37 (hg19) VCF-style: chr6-101099488-T-A.
Other names: short protein forms E1008V.
Identifiers: ClinVar variation 2443680 (VCV002443680.1), dbSNP rs1353175671, ClinGen allele CA365131076.